The following is an entry in ClinVar:

NM_021942.6(TRAPPC11):c.3063G>A (p.Pro1021=)

Gene: TRAPPC11 (trafficking protein particle complex subunit 11; plus strand). Cytogenetic location: 4q35.1.
Variant type: single nucleotide variant.
Coding change: c.3063G>A on transcript NM_021942.6 (MANE Select); coding-DNA position 3063, G replaced by A.
Protein change: p.Pro1021=; no amino-acid change (proline 1021 retained).
Molecular consequence: synonymous variant.
Genome position (GRCh38, 1-based): chr4:183,706,814, G>A. VCF-style: chr4-183706814-G-A. GRCh37 (hg19) VCF-style: chr4-184627967-G-A.
Other names: c.3063G>A, p.Pro1021= (NM_199053.3).
Identifiers: ClinVar variation 1595635 (VCV001595635.28), dbSNP rs142298713, ClinGen allele CA3152432.

ClinVar aggregate classification (germline): Likely benign. Review status: criteria provided, multiple submitters, no conflicts (2 of 4 stars). 2 submissions from 2 submitters: Likely benign (2). Last evaluated 2026-02-01.

Conditions:
Autosomal recessive limb-girdle muscular dystrophy type R18 (LGMDR18). Also called: Limb-girdle muscular dystrophy, type 2S; MUSCULAR DYSTROPHY, LIMB-GIRDLE, AUTOSOMAL RECESSIVE 18; Autosomal recessive limb-girdle muscular dystrophy type 2S. Identifiers: Orphanet 369840, MedGen C4517996, MONDO:0014144, OMIM 615356.

Allele frequency attached by ClinVar (database versions not stated): gnomAD 0.00002 and 0.00003; gnomAD exomes 0.00003 and 0.00006; ExAC 0.00008; TOPMed 0.00008; ESP Exome Variant Server 0.00015.
gnomAD v4.1: 46 of 1,612,378 alleles (0.0029%); highest among the groups gnomAD compares: Admixed American, 0.005%; no homozygotes.

Submissions (2):

CeGaT Center for Human Genetics Tuebingen
Classification: Likely benign. Last evaluated: 2026-02-01. Review status: criteria provided, single submitter. Criteria: CeGaT Center For Human Genetics Tuebingen Variant Classification Criteria Version 2. Collection method: clinical testing. Allele origin: germline. Affected: yes. Observed: 2 variant alleles.
Comment: TRAPPC11: BP4, BP7

Labcorp Genetics (formerly Invitae), Labcorp
Classification: Likely benign for Autosomal recessive limb-girdle muscular dystrophy type R18. Last evaluated: 2026-01-11. Review status: criteria provided, single submitter. Criteria: Invitae Variant Classification Sherloc (09022015). Collection method: clinical testing. Allele origin: germline.